The following is an entry in ClinVar:

ClinVar aggregate classification (germline): Benign. Review status: criteria provided, multiple submitters, no conflicts (2 of 4 stars). 2 submissions from 2 submitters: Benign (2). Last evaluated 2018-01-12.

Conditions:
Coxopodopatellar syndrome. Also called: ISCHIOPATELLAR DYSPLASIA; SCOTT-TAOR SYNDROME; Small patella syndrome; ISCHIOCOXOPODOPATELLAR SYNDROME; PATELLA APLASIA, COXA VARA, AND TARSAL SYNOSTOSIS; Congenital coxa vara, patella aplasia and tarsal synostosis. Identifiers: Orphanet 1509, MedGen C1840061, MONDO:0007841, OMIM 147891.

Allele frequency attached by ClinVar (database versions not stated): gnomAD 0.30584 and 0.31238; 1000 Genomes Project 0.32308; TOPMed 0.32348; gnomAD exomes 0.10714.

Submissions (2):

Illumina Laboratory Services, Illumina
Classification: Benign for Coxopodopatellar syndrome. Last evaluated: 2018-01-12. Review status: criteria provided, single submitter. Criteria: ICSL Variant Classification Criteria 13 December 2019. Collection method: clinical testing. Allele origin: germline.
Comment: This variant was observed in the ICSL laboratory as part of a predisposition screen in an ostensibly healthy population. It had not been previously curated by ICSL or reported in the Human Gene Mutation Database (HGMD: prior to June 1st, 2018), and was therefore a candidate for classification through an automated scoring system. Utilizing variant allele frequency, disease prevalence and penetrance estimates, and inheritance mode, an automated score was calculated to assess if this variant is too frequent to cause the disease. Based on the score and internal cut-off values, a variant classified as benign is not then subjected to further curation. The score for this variant resulted in a classification of benign for this disease.

Breakthrough Genomics
Classification: Benign. Review status: criteria provided, single submitter. Criteria: ACMG Guidelines, 2015. Collection method: not provided. Allele origin: germline. Inheritance: Autosomal recessive inheritance. Affected: yes.

NM_001321120.2(TBX4):c.*707G>T

Gene: TBX4 (T-box transcription factor 4; plus strand). Cytogenetic location: 17q23.2.
Variant type: single nucleotide variant.
Coding change: c.*707G>T on transcript NM_001321120.2 (MANE Select); 707 bases downstream of the stop codon, G replaced by T.
Molecular consequence: 3 prime UTR variant.
Genome position (GRCh38, 1-based): chr17:61,484,223, G>T. VCF-style: chr17-61484223-G-T. GRCh37 (hg19) VCF-style: chr17-59561584-G-T.
Other names: c.*707G>T (LRG_1206t1, NM_018488.3).
Identifiers: ClinVar variation 324284 (VCV000324284.6), dbSNP rs3744437, ClinGen allele CA10640108.
Genomic context (GRCh38, chr17:61,484,223, plus strand): 5'-GAGGGATGACGTTCGGAAAGGGTCATGGGCTAAATGTCACCTGAGGGGTATTTTTAAAGG[G>T]TTTTTTTTTCCCTTCAAGAGGAGGGAAAATGCAACCAGTAGCATCTCTGTCATCATTCAG-3'